The following is an entry in ClinVar:

ClinVar aggregate classification (germline): Uncertain significance (1 of 4 stars; one submission).

Conditions:
Renal carnitine transport defect (CDSP). Also called: CARNITINE DEFICIENCY, SYSTEMIC, DUE TO DEFECT IN RENAL REABSORPTION OF CARNITINE; CARNITINE TRANSPORTER, PLASMA-MEMBRANE, DEFICIENCY OF; CARNITINE UPTAKE DEFECT; Carnitine transporter deficiency; Carnitine Deficiency, Systemic; Systemic primary carnitine deficiency disease. Identifiers: Orphanet 158, MedGen C0342788, MONDO:0008919, OMIM 212140.

Submission:

ARUP Laboratories, Molecular Genetics and Genomics, ARUP Laboratories
Classification: Uncertain significance for Renal carnitine transport defect. Last evaluated: 2024-07-11. Review status: criteria provided, single submitter. Criteria: ARUP Molecular Germline Variant Investigation Process 2024. Collection method: clinical testing. Allele origin: germline.
Comment: The SLC22A5 c.163G>C; p.Ala55Pro variant, to our knowledge, is not reported in the medical literature or gene specific databases. This variant is also absent from the Genome Aggregation Database (v2.1.1), indicating it is not a common polymorphism. Computational analyses are uncertain whether this variant is neutral or deleterious (REVEL: 0.216). Due to limited information, the clinical significance of this variant is uncertain at this time.

NM_003060.4(SLC22A5):c.163G>C (p.Ala55Pro)

Gene: SLC22A5 (solute carrier family 22 member 5; plus strand). Cytogenetic location: 5q31.1.
Variant type: single nucleotide variant.
Coding change: c.163G>C on transcript NM_003060.4 (MANE Select); coding-DNA position 163, G replaced by C.
Protein change: p.Ala55Pro; replaces alanine 55 with proline.
Molecular consequence: missense variant.
Genome position (GRCh38, 1-based): chr5:132,370,135, G>C. VCF-style: chr5-132370135-G-C. GRCh37 (hg19) VCF-style: chr5-131705827-G-C.
Other names: c.163G>C, p.Ala55Pro (NM_001308122.2); short protein forms A55P.
Identifiers: ClinVar variation 3766712 (VCV003766712.1).